The following is an entry in ClinVar:

NM_003384.3(VRK1):c.-24G>T

Genes: VRK1 (VRK serine/threonine kinase 1; plus strand), LOC130056407 (ATAC-STARR-seq lymphoblastoid silent region 6058; plus strand). Cytogenetic location: 14q32.2.
Variant type: single nucleotide variant.
Coding change: c.-24G>T on transcript NM_003384.3 (MANE Select); 24 bases upstream of the start codon, G replaced by T.
Molecular consequence: 5 prime UTR variant.
Genome position (GRCh38, 1-based): chr14:96,797,429, G>T. VCF-style: chr14-96797429-G-T. GRCh37 (hg19) VCF-style: chr14-97263766-G-T.
Identifiers: ClinVar variation 514675 (VCV000514675.1), dbSNP rs928859896, ClinGen allele CA615884225.
Genomic context (GRCh38, chr14:96,797,429, plus strand): 5'-GCGCCGCTGCCGAGTTACGAGTCGGCGAAAGCGGCGGGAAGTTCGTACTGGGCAGAACGC[G>T]ACGGGTCTGCGGCTTAGGGTAGGGAGGCCGCAGGCGACACGGCTCGAGGACTCGCGCGCC-3'

ClinVar aggregate classification (germline): Likely benign (1 of 4 stars; one submission).

Allele frequency attached by ClinVar (database versions not stated): gnomAD 0.00003.

Submission:

GeneDx
Classification: Likely benign. Last evaluated: 2018-01-16. Review status: criteria provided, single submitter. Criteria: GeneDx Variant Classification (06012015). Collection method: clinical testing. Allele origin: germline. Affected: yes.
Comment: This variant is considered likely benign or benign based on one or more of the following criteria: it is a conservative change, it occurs at a poorly conserved position in the protein, it is predicted to be benign by multiple in silico algorithms, and/or has population frequency not consistent with disease.